The following is an entry in ClinVar:

NM_177965.4(CFAP418):c.483A>G (p.Pro161=)

Gene: CFAP418 (cilia and flagella associated protein 418; minus strand). Cytogenetic location: 8q22.1.
Variant type: single nucleotide variant.
Coding change: c.483A>G on transcript NM_177965.4 (MANE Select); coding-DNA position 483, A replaced by G.
Protein change: p.Pro161=; no amino-acid change (proline 161 retained).
Molecular consequence: synonymous variant.
Genome position (GRCh38, 1-based): chr8:95,247,758, T>C on the plus strand (A>G on the coding strand, the complement: CFAP418 is on the minus strand). VCF-style: chr8-95247758-T-C. GRCh37 (hg19) VCF-style: chr8-96259986-T-C.
Other names: c.387A>G, p.Pro129= (NM_001363260.1).
Identifiers: ClinVar variation 3030464 (VCV003030464.2), dbSNP rs2537136547, ClinGen allele CA462360878.
Genomic context (GRCh38, chr8:95,247,758, plus strand): 5'-GCAGGCATATGCCCGTGTTCCTTTCTTCTTTATCAACTTTGCTTTTAATTTGTGAAATTC[T>C]GGCATGTTGTTCCTATTAGTAAAACAGGAAAGTTTTAGCATAGTGGCTTTGTTCAGTGCT-3'
Protein context (NP_808880.1, residues 151-171): CDYLFFRNNM[Pro161=]EFHKLKAKLI

ClinVar aggregate classification (germline): Likely benign (0 of 4 stars; one submission).

Conditions:
CFAP418-related disorder. Also called: CFAP418-related condition.

Allele frequency attached by ClinVar (database versions not stated): gnomAD exomes below 0.00001.
gnomAD v4.1: 1 of 1,611,118 alleles (0.000062%); highest among the groups gnomAD compares: Admixed American, 0.0017%; no homozygotes.

Submission:

PreventionGenetics, part of Exact Sciences
Classification: Likely benign for CFAP418-related condition. Last evaluated: 2021-03-30. Review status: no assertion criteria provided. Collection method: clinical testing. Allele origin: germline.
Comment: This variant is classified as likely benign based on ACMG/AMP sequence variant interpretation guidelines (Richards et al. 2015 PMID: 25741868, with internal and published modifications).